The following is an entry in ClinVar:

NM_020754.4(ARHGAP31):c.3476CCCAGGACC[3] (p.Asp1164_Leu1165insProGlnAsp)

Gene: ARHGAP31 (Rho GTPase activating protein 31; plus strand). Cytogenetic location: 3q13.33.
Variant type: Microsatellite.
Coding change: c.3476CCCAGGACC[3] on transcript NM_020754.4 (MANE Select); three copies in a row of the 9-base unit CCCAGGACC starting at c.3476; the reference has two copies in a row; one copy, 9 bases duplicated.
Protein change: p.Asp1164_Leu1165insProGlnAsp.
Molecular consequence: inframe insertion.
Genome position (GRCh38, 1-based): chr3:119,415,414-119,415,422, CCCAGGACC duplicated; duplicating any 9 consecutive bases within chr3:119,415,405-119,415,422 gives the same sequence; the position shown is the placement nearest the transcript's 3' end. VCF-style (leftmost placement, unchanged base first): chr3-119415404-T-TCCCAGGACC. GRCh37 (hg19) VCF-style: chr3-119134251-T-TCCCAGGACC.
Identifiers: ClinVar variation 2997414 (VCV002997414.3), dbSNP rs1297634304, ClinGen allele CA897782970.

ClinVar aggregate classification (germline): Uncertain significance (1 of 4 stars; one submission).

Submission:

Labcorp Genetics (formerly Invitae), Labcorp
Classification: Uncertain significance. Last evaluated: 2023-05-19. Review status: criteria provided, single submitter. Criteria: Invitae Variant Classification Sherloc (09022015). Collection method: clinical testing. Allele origin: germline.
Comment: In summary, the available evidence is currently insufficient to determine the role of this variant in disease. Therefore, it has been classified as a Variant of Uncertain Significance. This variant has not been reported in the literature in individuals affected with ARHGAP31-related conditions. This variant is not present in population databases (gnomAD no frequency). This variant, c.3485_3493dup, results in the insertion of 3 amino acid(s) of the ARHGAP31 protein (p.Pro1162_Asp1164dup), but otherwise preserves the integrity of the reading frame.